The following is an entry in ClinVar:

NM_004104.5(FASN):c.5780A>T (p.Lys1927Met)

Gene: FASN (fatty acid synthase; minus strand). Cytogenetic location: 17q25.3.
Variant type: single nucleotide variant.
Coding change: c.5780A>T on transcript NM_004104.5 (MANE Select); coding-DNA position 5780, A replaced by T.
Protein change: p.Lys1927Met; replaces lysine 1927 with methionine.
Molecular consequence: missense variant.
Genome position (GRCh38, 1-based): chr17:82,082,666, T>A on the plus strand (A>T on the coding strand, the complement: FASN is on the minus strand). VCF-style: chr17-82082666-T-A. GRCh37 (hg19) VCF-style: chr17-80040542-T-A.
Other names: short protein forms K1927M.
Identifiers: ClinVar variation 861378 (VCV000861378.9), dbSNP rs1031331795, ClinGen allele CA295126374.
Genomic context (GRCh38, chr17:82,082,666, plus strand): 5'-CTGATGTTGCTGGTGGACACCTGCACCTGTACGCCCTGGCGCCTCCACCGGCGGACCTGC[T>A]TGGCCTGGTAGCCTGCGGGACACAGGACTGTGGGCTGGACTGGGCCAGGGTACGGTCTCT-3'
Protein context (NP_004095.4, residues 1917-1937): RSGIRTGYQA[Lys1927Met]QVRRWRRQGV

ClinVar aggregate classification (germline): Uncertain significance (1 of 4 stars; one submission).

Conditions:
Epileptic encephalopathy. Identifiers: MedGen C0543888, HP:0200134.

Allele frequency attached by ClinVar (database versions not stated): gnomAD exomes below 0.00001; TOPMed 0.00002; gnomAD 0.00003.
gnomAD v4.1: 5 of 1,609,346 alleles (0.00031%); highest among the groups gnomAD compares: African/African-American, 0.0067%; no homozygotes.

Submission:

Labcorp Genetics (formerly Invitae), Labcorp
Classification: Uncertain significance for Epileptic encephalopathy. Last evaluated: 2021-01-14. Review status: criteria provided, single submitter. Criteria: Invitae Variant Classification Sherloc (09022015). Collection method: clinical testing. Allele origin: germline.
Comment: In summary, the available evidence is currently insufficient to determine the role of this variant in disease. Therefore, it has been classified as a Variant of Uncertain Significance. Algorithms developed to predict the effect of missense changes on protein structure and function are either unavailable or do not agree on the potential impact of this missense change (SIFT: "Deleterious"; PolyPhen-2: "Possibly Damaging"; Align-GVGD: "Class C0"). This variant has not been reported in the literature in individuals with FASN-related conditions. This variant is not present in population databases (ExAC no frequency). This sequence change replaces lysine with methionine at codon 1927 of the FASN protein (p.Lys1927Met). The lysine residue is moderately conserved and there is a moderate physicochemical difference between lysine and methionine.